The following is an entry in ClinVar:

ClinVar aggregate classification (germline): Pathogenic (1 of 4 stars; one submission).

Conditions:
Hereditary hemorrhagic telangiectasia (HHT). Also called: Osler hemorrhagic telangiectasia syndrome; ORW DISEASE; Osler Weber Rendu syndrome; OSLER-RENDU-WEBER DISEASE. Identifiers: Orphanet 774, MedGen C0039445, MONDO:0019180. Disease mechanism: loss of function.

Submission:

Labcorp Genetics (formerly Invitae), Labcorp
Classification: Pathogenic for Hereditary hemorrhagic telangiectasia. Last evaluated: 2022-09-22. Review status: criteria provided, single submitter. Criteria: Invitae Variant Classification Sherloc (09022015). Collection method: clinical testing. Allele origin: germline.
Comment: For these reasons, this variant has been classified as Pathogenic. Algorithms developed to predict the effect of sequence changes on RNA splicing suggest that this variant may disrupt the consensus splice site. ClinVar contains an entry for this variant (Variation ID: 1075363). Disruption of this splice site has been observed in individuals with hereditary hemorrhagic telangiectasia (PMID: 10625079, 16525724, 22991266). This variant is not present in population databases (gnomAD no frequency). This sequence change affects an acceptor splice site in intron 5 of the ENG gene. It is expected to disrupt RNA splicing. Variants that disrupt the donor or acceptor splice site typically lead to a loss of protein function (PMID: 16199547), and loss-of-function variants in ENG are known to be pathogenic (PMID: 15879500).

Literature cited by the submitters: PubMed 10625079; PubMed 16525724; PubMed 22991266; PubMed 16199547; PubMed 15879500.

NM_001114753.3(ENG):c.690-1G>C

Gene: ENG (endoglin; minus strand). Cytogenetic location: 9q34.11.
Variant type: single nucleotide variant.
Coding change: c.690-1G>C on transcript NM_001114753.3 (MANE Select); the canonical splice acceptor site of the intron before coding-DNA position 690, G replaced by C.
Molecular consequence: splice acceptor variant.
Genome position (GRCh38, 1-based): chr9:127,825,358, C>G on the plus strand (G>C on the coding strand, the complement: ENG is on the minus strand). VCF-style: chr9-127825358-C-G. GRCh37 (hg19) VCF-style: chr9-130587637-C-G.
Other names: c.690-1G>C (NM_000118.4, NM_001406715.1); c.144-1G>C (NM_001278138.2).
Identifiers: ClinVar variation 1075363 (VCV001075363.10), dbSNP rs1554810272, ClinGen allele CA374983466.